The following is an entry in ClinVar:

NM_000083.3(CLCN1):c.757T>C (p.Phe253Leu)

Gene: CLCN1 (chloride voltage-gated channel 1; plus strand). Cytogenetic location: 7q34.
Variant type: single nucleotide variant.
Coding change: c.757T>C on transcript NM_000083.3 (MANE Select); coding-DNA position 757, T replaced by C.
Protein change: p.Phe253Leu; replaces phenylalanine 253 with leucine.
Molecular consequence: missense variant. On other transcripts: non-coding transcript variant (1).
Genome position (GRCh38, 1-based): chr7:143,323,369, T>C. VCF-style: chr7-143323369-T-C. GRCh37 (hg19) VCF-style: chr7-143020462-T-C.
Other names: short protein forms F253L.
Identifiers: ClinVar variation 1723802 (VCV001723802.2), dbSNP rs1802494610, ClinGen allele CA369686717.

ClinVar aggregate classification (germline): Uncertain significance (1 of 4 stars; one submission).

Allele frequency attached by ClinVar (database versions not stated): TOPMed below 0.00001.

Submission:

GeneDx
Classification: Uncertain significance. Last evaluated: 2022-05-13. Review status: criteria provided, single submitter. Criteria: GeneDx Variant Classification Process June 2021. Collection method: clinical testing. Allele origin: germline. Affected: yes.
Comment: Not observed at significant frequency in large population cohorts (gnomAD); In silico analysis supports that this missense variant has a deleterious effect on protein structure/function; Has not been previously published as pathogenic or benign to our knowledge